The following is an entry in ClinVar:

ClinVar aggregate classification (germline): Uncertain significance. Review status: criteria provided, multiple submitters, no conflicts (2 of 4 stars). 2 submissions from 2 submitters: Uncertain significance (2). Last evaluated 2022-10-09.

Allele frequency attached by ClinVar (database versions not stated): ExAC 0.00001; gnomAD exomes 0.00001.
gnomAD v4.1: 3 of 1,613,944 alleles (0.00019%); highest among the groups gnomAD compares: Non-Finnish European, 0.00025%; no homozygotes.

Submissions (2):

Labcorp Genetics (formerly Invitae), Labcorp
Classification: Uncertain significance. Last evaluated: 2022-10-09. Review status: criteria provided, single submitter. Criteria: Invitae Variant Classification Sherloc (09022015). Collection method: clinical testing. Allele origin: germline.
Comment: In summary, the available evidence is currently insufficient to determine the role of this variant in disease. Therefore, it has been classified as a Variant of Uncertain Significance. Advanced modeling of protein sequence and biophysical properties (such as structural, functional, and spatial information, amino acid conservation, physicochemical variation, residue mobility, and thermodynamic stability) has been performed at Invitae for this missense variant, however the output from this modeling did not meet the statistical confidence thresholds required to predict the impact of this variant on KMT2A protein function. This variant has not been reported in the literature in individuals affected with KMT2A-related conditions. This variant is present in population databases (rs782585188, gnomAD 0.002%). This sequence change replaces threonine, which is neutral and polar, with lysine, which is basic and polar, at codon 2736 of the KMT2A protein (p.Thr2736Lys).

Centre of Medical Genetics, University Hospital Muenster
Classification: Uncertain significance. Last evaluated: 2021-12-08. Review status: criteria provided, single submitter. Criteria: ACMG Guidelines, 2015. Collection method: clinical testing. Allele origin: unknown. Affected: yes. Observed: 1 variant allele, 1 heterozygote.
Comment: ACMG categories: PM1,PM2,PP3,BP1

NM_001197104.2(KMT2A):c.8207C>A (p.Thr2736Lys)

Gene: KMT2A (lysine methyltransferase 2A; plus strand). Cytogenetic location: 11q23.3.
Variant type: single nucleotide variant.
Coding change: c.8207C>A on transcript NM_001197104.2 (MANE Select); coding-DNA position 8207, C replaced by A.
Protein change: p.Thr2736Lys; replaces threonine 2736 with lysine.
Molecular consequence: missense variant.
Genome position (GRCh38, 1-based): chr11:118,504,099, C>A. VCF-style: chr11-118504099-C-A. GRCh37 (hg19) VCF-style: chr11-118374814-C-A.
Other names: c.8198C>A, p.Thr2733Lys (NM_005933.4); short protein forms T2733K, T2736K.
Identifiers: ClinVar variation 1708451 (VCV001708451.7), dbSNP rs782585188, ClinGen allele CA6304467.